The following is an entry in ClinVar:

NM_001384474.1(LOXHD1):c.5764A>T (p.Lys1922Ter)

Gene: LOXHD1 (lipoxygenase homology PLAT domains 1; minus strand). Cytogenetic location: 18q21.1.
Variant type: single nucleotide variant.
Coding change: c.5764A>T on transcript NM_001384474.1 (MANE Select); coding-DNA position 5764, A replaced by T.
Protein change: p.Lys1922Ter; replaces lysine 1922 with a stop codon.
Molecular consequence: nonsense.
Genome position (GRCh38, 1-based): chr18:46,505,952, T>A on the plus strand (A>T on the coding strand, the complement: LOXHD1 is on the minus strand). VCF-style: chr18-46505952-T-A. GRCh37 (hg19) VCF-style: chr18-44085915-T-A.
Other names: c.2431A>T, p.Lys811Ter (NM_001145472.3); c.481A>T, p.Lys161Ter (NM_001145473.3, NM_001173129.2); c.2143A>T, p.Lys715Ter (NM_001308013.2); c.5578A>T, p.Lys1860Ter (NM_144612.7); short protein forms K161*, K1860*, K1922*, K715*, K811*.
Identifiers: ClinVar variation 1071207 (VCV001071207.7), dbSNP rs2143887823, ClinGen allele CA402367763.

ClinVar aggregate classification (germline): Pathogenic (1 of 4 stars; one submission).

Allele frequency attached by ClinVar (database versions not stated): gnomAD exomes below 0.00001.
gnomAD v4.1: 1 of 1,552,154 alleles (0.000064%); highest among the groups gnomAD compares: Non-Finnish European, 0.000087%; no homozygotes.

Submission:

Labcorp Genetics (formerly Invitae), Labcorp
Classification: Pathogenic. Last evaluated: 2020-08-27. Review status: criteria provided, single submitter. Criteria: Invitae Variant Classification Sherloc (09022015). Collection method: clinical testing. Allele origin: germline.
Comment: This sequence change creates a premature translational stop signal (p.Lys1860*) in the LOXHD1 gene. It is expected to result in an absent or disrupted protein product. This variant is not present in population databases (ExAC no frequency). This variant has not been reported in the literature in individuals with LOXHD1-related conditions. Loss-of-function variants in LOXHD1 are known to be pathogenic (PMID: 19732867, 21465660, 25792669). For these reasons, this variant has been classified as Pathogenic.

Literature cited by the submitters: PubMed 19732867; PubMed 21465660; PubMed 25792669.